The following is an entry in ClinVar:

ClinVar aggregate classification (germline): Likely pathogenic (1 of 4 stars; one submission).

Submission:

Labcorp Genetics (formerly Invitae), Labcorp
Classification: Likely pathogenic. Last evaluated: 2021-12-15. Review status: criteria provided, single submitter. Criteria: Invitae Variant Classification Sherloc (09022015). Collection method: clinical testing. Allele origin: germline.
Comment: In summary, the currently available evidence indicates that the variant is pathogenic, but additional data are needed to prove that conclusively. Therefore, this variant has been classified as Likely Pathogenic. This variant has not been reported in the literature in individuals affected with TONSL-related conditions. This variant results in the deletion of exons 21-22 and part of exon 20 (c.3018_3559+499del) of the TONSL gene. It is expected to disrupt RNA splicing. Variants that disrupt the donor or acceptor splice site typically lead to a loss of protein function (PMID: 16199547), and loss-of-function variants in TONSL are known to be pathogenic (PMID: 30773277).

Literature cited by the submitters: PubMed 16199547; PubMed 30773277.

NC_000008.10:g.(?_145658472)_(145660261_?)del

Gene: TONSL (tonsoku like, DNA repair protein; minus strand). Cytogenetic location: 8q24.3.
Variant type: Deletion.
Identifiers: ClinVar variation 1518510 (VCV001518510.4).